The following is an entry in ClinVar:

ClinVar aggregate classification (germline): Likely pathogenic. Review status: criteria provided, multiple submitters, no conflicts (2 of 4 stars). 2 submissions from 2 submitters: Likely pathogenic (2). Last evaluated 2021-10-26.

Conditions:
WFS1-related disorder. Identifiers: MedGen CN379391, MONDO:0700293.
Autosomal dominant nonsyndromic hearing loss 6 (LFSNHL). Also called: DEAFNESS, AUTOSOMAL DOMINANT 6; DEAFNESS, AUTOSOMAL DOMINANT 14; DEAFNESS, AUTOSOMAL DOMINANT 38; Autosomal dominant nonsyndromic deafness 6. Identifiers: Orphanet 90635, MedGen C1833021, MONDO:0010963, OMIM 600965.
Type 2 diabetes mellitus. Also called: Type II diabetes mellitus. Identifiers: MedGen C0011860, MeSH D003924, MONDO:0005148, OMIM 125853, HP:0005978.
Cataract 41 (CTRCT41). Also called: CATARACT 41, CONGENITAL NUCLEAR TYPE. Identifiers: Orphanet 91492, Orphanet 98991, Orphanet 98992, Orphanet 98995, MedGen C3805412, MONDO:0007287, OMIM 116400.
Wolfram syndrome 1 (WFS1). Identifiers: Orphanet 3463, MedGen C4551693, MONDO:0009101, OMIM 222300.
Wolfram-like syndrome. Also called: HEARING LOSS, PROGRESSIVE, WITH OPTIC ATROPHY AND/OR IMPAIRED GLUCOSE REGULATION. Identifiers: Orphanet 411590, MedGen C3280358, MONDO:0013673, OMIM 614296.

Submissions (2):

Blueprint Genetics
Classification: Likely pathogenic for WFS1-related disorders. Last evaluated: 2021-10-26. Review status: criteria provided, single submitter. Criteria: ACMG Guidelines, 2015. Collection method: clinical testing. Allele origin: germline. Affected: yes. Observed: 1 variant allele.

Juno Genomics, Hangzhou Juno Genomics, Inc
Classification: Likely pathogenic for Cataract 41; Type 2 diabetes mellitus; Autosomal dominant nonsyndromic hearing loss 6; Wolfram syndrome 1; Wolfram-like syndrome. Review status: criteria provided, single submitter. Criteria: ACMG Guidelines, 2015. Collection method: clinical testing. Allele origin: germline.
Comment: Null variant in a gene where loss of function (LOF) is a known mechanism of disease.;Absent from controls (or at extremely low frequency if recessive) in Genome Aggregation Database.;The prevalence of the variant in affected individuals is significantly increased compared to the prevalence in controls.;Patient's phenotype or family history is highly specific for a disease with a single genetic etiology.

NM_006005.3(WFS1):c.1228del (p.Leu410fs)

Gene: WFS1 (wolframin ER transmembrane glycoprotein; plus strand). Cytogenetic location: 4p16.1.
Variant type: Deletion.
Coding change: c.1228del on transcript NM_006005.3 (MANE Select); coding-DNA position 1228, one base deleted (C; older notation c.1228delC).
Protein change: p.Leu410fs; shifts the reading frame from leucine 410.
Molecular consequence: frameshift variant.
Genome position (GRCh38, 1-based): chr4:6,301,023, C deleted. VCF-style (leftmost placement, unchanged base first): chr4-6301022-GC-G. GRCh37 (hg19) VCF-style: chr4-6302749-GC-G.
Other names: c.1228del, p.Leu410fs (NM_001145853.1); short protein forms L410fs.
Identifiers: ClinVar variation 3381937 (VCV003381937.4).